The following is an entry in ClinVar:

NM_002025.4(AFF2):c.3925C>T (p.His1309Tyr)

Gene: AFF2 (ALF transcription elongation factor 2; plus strand). Cytogenetic location: Xq28.
Variant type: single nucleotide variant.
Coding change: c.3925C>T on transcript NM_002025.4 (MANE Select); coding-DNA position 3925, C replaced by T.
Protein change: p.His1309Tyr; replaces histidine 1309 with tyrosine.
Molecular consequence: missense variant.
Genome position (GRCh38, 1-based): chrX:148,991,321, C>T. VCF-style: chrX-148991321-C-T. GRCh37 (hg19) VCF-style: chrX-148072851-C-T.
Other names: c.2848C>T, p.His950Tyr (NM_001170628.1); c.3820C>T, p.His1274Tyr (NM_001169122.2, NM_001169124.2); c.3895C>T, p.His1299Tyr (NM_001169123.2); c.3808C>T, p.His1270Tyr (NM_001169125.2); short protein forms H1270Y, H1274Y, H1299Y, H1309Y, H950Y.
Identifiers: ClinVar variation 4874855 (VCV004874855.2).

ClinVar aggregate classification (germline): Uncertain significance (1 of 4 stars; one submission).

Submission:

CeGaT Center for Human Genetics Tuebingen
Classification: Uncertain significance. Last evaluated: 2026-05-01. Review status: criteria provided, single submitter. Criteria: CeGaT Center For Human Genetics Tuebingen Variant Classification Criteria Version 2. Collection method: clinical testing. Allele origin: germline. Affected: yes. Observed: 1 variant allele.
Comment: AFF2: PM2